The following is an entry in ClinVar:

ClinVar aggregate classification (germline): Uncertain significance. Review status: criteria provided, multiple submitters, no conflicts (2 of 4 stars). 2 submissions from 2 submitters: Uncertain significance (2). Last evaluated 2024-03-08.

Allele frequency attached by ClinVar (database versions not stated): gnomAD 0.00001; ExAC 0.00002; TOPMed 0.00002; gnomAD exomes 0.00003 and 0.00004.
gnomAD v4.1: 40 of 1,209,247 alleles (0.0033%); highest among the groups gnomAD compares: Admixed American, 0.0066%; no homozygotes.

Submissions (2):

Ambry Genetics
Classification: Uncertain significance. Last evaluated: 2024-03-08. Review status: criteria provided, single submitter. Criteria: Ambry Variant Classification Scheme 2023. Collection method: clinical testing. Allele origin: germline.

Labcorp Genetics (formerly Invitae), Labcorp
Classification: Uncertain significance. Last evaluated: 2022-03-13. Review status: criteria provided, single submitter. Criteria: Invitae Variant Classification Sherloc (09022015). Collection method: clinical testing. Allele origin: germline.
Comment: This variant has not been reported in the literature in individuals affected with DRP2-related conditions. This variant is present in population databases (rs745397099, gnomAD 0.01%). This sequence change replaces valine, which is neutral and non-polar, with leucine, which is neutral and non-polar, at codon 162 of the DRP2 protein (p.Val162Leu). Algorithms developed to predict the effect of missense changes on protein structure and function are either unavailable or do not agree on the potential impact of this missense change (SIFT: "Deleterious"; PolyPhen-2: "Benign"; Align-GVGD: "Class C25"). In summary, the available evidence is currently insufficient to determine the role of this variant in disease. Therefore, it has been classified as a Variant of Uncertain Significance.

NM_001939.3(DRP2):c.484G>C (p.Val162Leu)

Gene: DRP2 (dystrophin related protein 2; plus strand). Cytogenetic location: Xq22.1.
Variant type: single nucleotide variant.
Coding change: c.484G>C on transcript NM_001939.3 (MANE Select); coding-DNA position 484, G replaced by C.
Protein change: p.Val162Leu; replaces valine 162 with leucine.
Molecular consequence: missense variant.
Genome position (GRCh38, 1-based): chrX:101,239,026, G>C. VCF-style: chrX-101239026-G-C. GRCh37 (hg19) VCF-style: chrX-100494015-G-C.
Other names: c.250G>C, p.Val84Leu (NM_001171184.2); c.484G>C (NM_001939.2); short protein forms V162L, V84L.
Identifiers: ClinVar variation 1411400 (VCV001411400.7), dbSNP rs745397099, ClinGen allele CA10472083.